The following is an entry in ClinVar:

ClinVar aggregate classification (germline): Likely benign. Review status: criteria provided, multiple submitters, no conflicts (2 of 4 stars). 2 submissions from 2 submitters: Likely benign (2). Last evaluated 2026-05-13.

Conditions:
Neurofibromatosis, type 1 (NF1). Also called: Peripheral type neurofibromatosis; Neurofibromatosis, type I; VON RECKLINGHAUSEN DISEASE; NEUROFIBROMATOSIS, TYPE I, SOMATIC. Identifiers: Orphanet 636, MedGen C0027831, MONDO:0018975, OMIM 162200. Disease mechanism: loss of function.

Allele frequency attached by ClinVar (database versions not stated): gnomAD exomes 0.00001.
gnomAD v4.1: 7 of 1,541,860 alleles (0.00045%); highest among the groups gnomAD compares: Non-Finnish European, 0.00062%; no homozygotes.

Submissions (2):

Myriad Genetics, Inc.
Classification: Likely benign for Neurofibromatosis, type 1. Last evaluated: 2026-05-13. Review status: criteria provided, single submitter. Criteria: Myriad Autosomal Dominant, Autosomal Recessive and X-Linked Classification Criteria (2023). Collection method: clinical testing. Allele origin: unknown.
Comment: This variant is considered likely benign. This variant is intronic and is not expected to impact mRNA splicing.

Labcorp Genetics (formerly Invitae), Labcorp
Classification: Likely benign for Neurofibromatosis, type 1. Last evaluated: 2024-08-30. Review status: criteria provided, single submitter. Criteria: Invitae Variant Classification Sherloc (09022015). Collection method: clinical testing. Allele origin: germline.

NM_001042492.3(NF1):c.4333-9A>T

Gene: NF1 (neurofibromin 1; plus strand). Cytogenetic location: 17q11.2.
Variant type: single nucleotide variant.
Coding change: c.4333-9A>T on transcript NM_001042492.3 (MANE Select); 9 bases into the intron before coding-DNA position 4333, A replaced by T.
Molecular consequence: intron variant.
Genome position (GRCh38, 1-based): chr17:31,259,023, A>T. VCF-style: chr17-31259023-A-T. GRCh37 (hg19) VCF-style: chr17-29586041-A-T.
Other names: c.4270-9A>T (NM_000267.4).
Identifiers: ClinVar variation 849602 (VCV000849602.7), dbSNP rs2067634979, ClinGen allele CA916080601.